The following is an entry in ClinVar:

NM_001256864.2(DNAJC6):c.2223A>T (p.Thr741=)

Gene: DNAJC6 (DnaJ heat shock protein family (Hsp40) member C6; plus strand). Cytogenetic location: 1p31.3.
Variant type: single nucleotide variant.
Coding change: c.2223A>T on transcript NM_001256864.2 (MANE Select); coding-DNA position 2223, A replaced by T.
Protein change: p.Thr741=; no amino-acid change (threonine 741 retained).
Molecular consequence: synonymous variant.
Genome position (GRCh38, 1-based): chr1:65,401,876, A>T. VCF-style: chr1-65401876-A-T. GRCh37 (hg19) VCF-style: chr1-65867559-A-T.
Other names: 2223A-T; c.2013A>T, p.Thr671= (NM_001256865.2); c.2052A>T, p.Thr684= (NM_014787.4).
Identifiers: ClinVar variation 253095 (VCV000253095.8), dbSNP rs879255554, ClinGen allele CA10586195.
Genomic context (GRCh38, chr1:65,401,876, plus strand): 5'-TGGTACTCCCACCCATCAAAGCAAACCCCAGACTCTGGATCCTTTTGCCGACCTTGGGAC[A>T]CTAGGTACAAACTCAGAAGATCAAGATACAAATAACATTTATTTATAGCTATAAAGCCTC-3'
Protein context (NP_001243793.1, residues 731-751): QTLDPFADLG[Thr741=]LGSSSFASKP

ClinVar aggregate classification (germline): Likely benign. Review status: criteria provided, single submitter (1 of 4 stars). 3 submissions from 3 submitters: Likely benign (1). 2 of the submissions do not count toward it. Last evaluated 2022-09-29.

Conditions:
Parkinson disease 19B, early-onset. Identifiers: MedGen C4310802, MONDO:0800369.
Juvenile onset Parkinson disease 19A. Also called: DNAJC6 Parkinson Disease; PARK19. Identifiers: Orphanet 391411, MedGen C3809811, MONDO:0014231, OMIM 615528.

Allele frequency attached by ClinVar (database versions not stated): gnomAD 0.00001; gnomAD exomes 0.00001; TOPMed 0.00002.
gnomAD v4.1: 6 of 1,613,290 alleles (0.00037%); highest among the groups gnomAD compares: Non-Finnish European, 0.00051%; no homozygotes.

Submissions (3):

Labcorp Genetics (formerly Invitae), Labcorp
Classification: Likely benign for Juvenile onset Parkinson disease 19A. Last evaluated: 2022-09-29. Review status: criteria provided, single submitter. Criteria: Invitae Variant Classification Sherloc (09022015). Collection method: clinical testing. Allele origin: germline.

OMIM
Classification: Pathogenic for PARKINSON DISEASE 19B, EARLY-ONSET. Last evaluated: 2016-08-09. Review status: no assertion criteria provided. Collection method: literature only. Allele origin: germline. Not counted in ClinVar's aggregate classification.

GeneReviews
No classification provided. Condition: Juvenile onset Parkinson disease 19A. Review status: no classification provided. Collection method: literature only. Allele origin: germline. Not counted in ClinVar's aggregate classification.
Comment: Early-onset parkinsonism; Predicted to introduce an aberrant splice acceptor site

Literature cited by the submitters: PubMed 26528954 (cited by OMIM and GeneReviews); PubMed 33983693 (cited by GeneReviews).